The following is an entry in ClinVar:

ClinVar aggregate classification (germline): Uncertain significance. Review status: criteria provided, multiple submitters, no conflicts (2 of 4 stars). 2 submissions from 2 submitters: Uncertain significance (2). Last evaluated 2026-01-01.

Conditions:
Cardiovascular phenotype. Identifiers: MedGen CN230736.

gnomAD v4.1: 11 of 1,613,438 alleles (0.00068%); highest among the groups gnomAD compares: Non-Finnish European, 0.00093%; no homozygotes.

Submissions (2):

CeGaT Center for Human Genetics Tuebingen
Classification: Uncertain significance. Last evaluated: 2026-01-01. Review status: criteria provided, single submitter. Criteria: CeGaT Center For Human Genetics Tuebingen Variant Classification Criteria Version 2. Collection method: clinical testing. Allele origin: germline. Affected: yes. Observed: 1 variant allele.
Comment: TNXB: PM2, BP4

Ambry Genetics
Classification: Uncertain significance for Cardiovascular phenotype. Last evaluated: 2024-04-19. Review status: criteria provided, single submitter. Criteria: Ambry Variant Classification Scheme 2023. Collection method: clinical testing. Allele origin: germline.
Comment: The p.V2864D variant (also known as c.8591T>A), located in coding exon 24 of the TNXB gene, results from a T to A substitution at nucleotide position 8591. The valine at codon 2864 is replaced by aspartic acid, an amino acid with highly dissimilar properties. This amino acid position is conserved. In addition, this alteration is predicted to be tolerated by in silico analysis. Based on the available evidence, the clinical significance of this variant remains unclear.

NM_001365276.2(TNXB):c.8597T>A (p.Val2866Asp)

Gene: TNXB (tenascin XB; minus strand). Cytogenetic location: 6p21.33.
Variant type: single nucleotide variant.
Coding change: c.8597T>A on transcript NM_001365276.2 (MANE Select); coding-DNA position 8597, T replaced by A.
Protein change: p.Val2866Asp; replaces valine 2866 with aspartic acid.
Molecular consequence: missense variant.
Genome position (GRCh38, 1-based): chr6:32,053,582, A>T on the plus strand (T>A on the coding strand, the complement: TNXB is on the minus strand). VCF-style: chr6-32053582-A-T. GRCh37 (hg19) VCF-style: chr6-32021359-A-T.
Other names: c.8591T>A, p.Val2864Asp (NM_019105.8); short protein forms V2866D, V2864D.
Identifiers: ClinVar variation 3327842 (VCV003327842.5).